The following is an entry in ClinVar:

NM_000142.5(FGFR3):c.1663G>C (p.Val555Leu)

Gene: FGFR3 (fibroblast growth factor receptor 3; plus strand). Cytogenetic location: 4p16.3.
Variant type: single nucleotide variant.
Coding change: c.1663G>C on transcript NM_000142.5 (MANE Select); coding-DNA position 1663, G replaced by C.
Protein change: p.Val555Leu; replaces valine 555 with leucine.
Molecular consequence: missense variant. On other transcripts: non-coding transcript variant (1).
Genome position (GRCh38, 1-based): chr4:1,805,767, G>C. VCF-style: chr4-1805767-G-C. GRCh37 (hg19) VCF-style: chr4-1807494-G-C.
Other names: c.1669G>C, p.Val557Leu (NM_001163213.2); c.1666G>C, p.Val556Leu (NM_001354809.2, NM_001354810.2); c.1327G>C, p.Val443Leu (NM_022965.4); short protein forms V443L, V555L, V556L, V557L.
Identifiers: ClinVar variation 988310 (VCV000988310.10), dbSNP rs1474187970, ClinGen allele CA355981675.

ClinVar aggregate classification (germline): Conflicting classifications of pathogenicity. Review status: criteria provided, conflicting classifications (1 of 4 stars). 3 submissions from 3 submitters: Likely pathogenic (1); Uncertain significance (2). Last evaluated 2025-04-28.

gnomAD v4.1: 3 of 1,612,626 alleles (0.00019%); highest among the groups gnomAD compares: Non-Finnish European, 0.00017%; no homozygotes.

Submissions (3):

Labcorp Genetics (formerly Invitae), Labcorp
Classification: Uncertain significance. Last evaluated: 2025-04-28. Review status: criteria provided, single submitter. Criteria: Invitae Variant Classification Sherloc (09022015). Collection method: clinical testing. Allele origin: germline.
Comment: This sequence change replaces valine, which is neutral and non-polar, with leucine, which is neutral and non-polar, at codon 555 of the FGFR3 protein (p.Val555Leu). This variant is not present in population databases (gnomAD no frequency). This variant has not been reported in the literature in individuals affected with FGFR3-related conditions. ClinVar contains an entry for this variant (Variation ID: 988310). Invitae Evidence Modeling of protein sequence and biophysical properties (such as structural, functional, and spatial information, amino acid conservation, physicochemical variation, residue mobility, and thermodynamic stability) has been performed for this missense variant. However, the output from this modeling did not meet the statistical confidence thresholds required to predict the impact of this variant on FGFR3 protein function. In summary, the available evidence is currently insufficient to determine the role of this variant in disease. Therefore, it has been classified as a Variant of Uncertain Significance.

Blueprint Genetics
Classification: Uncertain significance. Last evaluated: 2022-05-04. Review status: criteria provided, single submitter. Criteria: ACMG Guidelines, 2015. Collection method: clinical testing. Allele origin: germline.

Clinical Genetics and Genomics, Karolinska University Hospital
Classification: Likely pathogenic. Last evaluated: 2017-03-29. Review status: criteria provided, single submitter. Criteria: ACMG Guidelines, 2015. Collection method: clinical testing. Allele origin: germline. Affected: yes. Observed: 6 variant alleles.